The following is an entry in ClinVar:

NM_006859.4(LIAS):c.130del (p.Asp44fs)

Gene: LIAS (lipoic acid synthetase; plus strand). Cytogenetic location: 4p14.
Variant type: Deletion.
Coding change: c.130del on transcript NM_006859.4 (MANE Select); coding-DNA position 130, one base deleted (G; older notation c.130delG).
Protein change: p.Asp44fs; shifts the reading frame from aspartic acid 44.
Molecular consequence: frameshift variant.
Genome position (GRCh38, 1-based): chr4:39,460,874, G deleted. VCF-style (leftmost placement, unchanged base first): chr4-39460873-AG-A. GRCh37 (hg19) VCF-style: chr4-39462493-AG-A.
Other names: c.130del, p.Asp44fs (NM_001278590.2, NM_001278591.2, NM_001278592.2 and 2 more transcripts); short protein forms D44fs.
Identifiers: ClinVar variation 2005335 (VCV002005335.4), dbSNP rs2474990397, ClinGen allele CA2580070980.

ClinVar aggregate classification (germline): Pathogenic (1 of 4 stars; one submission).

Conditions:
Lipoic acid synthetase deficiency. Also called: HYPERGLYCINEMIA, LACTIC ACIDOSIS, AND SEIZURES. Identifiers: Orphanet 401859, MedGen C3280887, MONDO:0013762, OMIM 614462.

Allele frequency attached by ClinVar (database versions not stated): gnomAD exomes below 0.00001.

Submission:

Labcorp Genetics (formerly Invitae), Labcorp
Classification: Pathogenic for Lipoic acid synthetase deficiency. Last evaluated: 2022-06-13. Review status: criteria provided, single submitter. Criteria: Invitae Variant Classification Sherloc (09022015). Collection method: clinical testing. Allele origin: germline.
Comment: For these reasons, this variant has been classified as Pathogenic. This variant has not been reported in the literature in individuals affected with LIAS-related conditions. This variant is not present in population databases (gnomAD no frequency). This sequence change creates a premature translational stop signal (p.Asp44Thrfs*23) in the LIAS gene. It is expected to result in an absent or disrupted protein product. Loss-of-function variants in LIAS are known to be pathogenic (PMID: 24334290, 27923773).

Literature cited by the submitters: PubMed 24334290; PubMed 27923773.